The following is an entry in ClinVar:

ClinVar aggregate classification (germline): Uncertain significance (1 of 4 stars; one submission).

Conditions:
Left ventricular noncompaction 10 (LVNC10). Identifiers: Orphanet 154, Orphanet 54260, MedGen C3715165, MONDO:0014163, OMIM 615396.

gnomAD v4.1: 3 of 1,614,072 alleles (0.00019%); highest among the groups gnomAD compares: Non-Finnish European, 0.00025%; no homozygotes.

Submission:

OLLIN Analises Genomicas, OLLIN
Classification: Uncertain significance for Left ventricular noncompaction 10. Last evaluated: 2026-08-06. Review status: criteria provided, single submitter. Criteria: ACMG Guidelines 2015 PMID 25741868. Collection method: clinical testing. Allele origin: germline. Inheritance: Autosomal dominant inheritance.
Comment: This missense variant, located in exon 22 (of 35), has been observed in gnomAD with an allele frequency of 0.000062%, but has not been reported in ClinVar or identified in the literature. In silico analysis predicts that this variant has a tolerated effect. According to the currently available evidence, this variant has been classified as uncertain significance (PM2_P, BP4).

NM_000256.3(MYBPC3):c.2101G>A (p.Ala701Thr)

Gene: MYBPC3 (myosin binding protein C3; minus strand). Cytogenetic location: 11p11.2.
Variant type: single nucleotide variant.
Coding change: c.2101G>A on transcript NM_000256.3 (MANE Select); coding-DNA position 2101, G replaced by A.
Protein change: p.Ala701Thr; replaces alanine 701 with threonine.
Molecular consequence: missense variant.
Genome position (GRCh38, 1-based): chr11:47,339,371, C>T on the plus strand (G>A on the coding strand, the complement: MYBPC3 is on the minus strand). VCF-style: chr11-47339371-C-T. GRCh37 (hg19) VCF-style: chr11-47360922-C-T.
Other names: short protein forms A701T.
Identifiers: ClinVar variation 5002723 (VCV005002723.1).